The following is an entry in ClinVar:

ClinVar aggregate classification (germline): Pathogenic (1 of 4 stars; one submission).

Conditions:
Hereditary cancer-predisposing syndrome. Also called: Neoplastic Syndromes, Hereditary; Tumor predisposition; Hereditary Cancer Syndrome; Hereditary neoplastic syndrome. Identifiers: Orphanet 140162, MedGen C0027672, MeSH D009386, MONDO:0015356.

Submission:

Ambry Genetics
Classification: Pathogenic for Hereditary cancer-predisposing syndrome. Last evaluated: 2025-04-07. Review status: criteria provided, single submitter. Criteria: Ambry Variant Classification Scheme 2023. Collection method: clinical testing. Allele origin: germline.
Comment: The p.K2331* pathogenic mutation (also known as c.6991A>T), located in coding exon 47 of the ATM gene, results from an A to T substitution at nucleotide position 6991. This changes the amino acid from a lysine to a stop codon within coding exon 47. This variant is considered to be rare based on population cohorts in the Genome Aggregation Database (gnomAD). This alteration is expected to result in loss of function by premature protein truncation or nonsense-mediated mRNA decay. As such, this alteration is interpreted as a disease-causing mutation.

NM_000051.4(ATM):c.6991A>T (p.Lys2331Ter)

Genes: ATM (ATM serine/threonine kinase; plus strand), C11orf65 (chromosome 11 open reading frame 65; minus strand). Cytogenetic location: 11q22.3.
Variant type: single nucleotide variant.
Coding change: c.6991A>T on transcript NM_000051.4 (MANE Select); coding-DNA position 6991, A replaced by T.
Protein change: p.Lys2331Ter; replaces lysine 2331 with a stop codon.
Molecular consequence: nonsense. On other transcripts: intron variant (2).
Genome position (GRCh38, 1-based): chr11:108,327,660, A>T. VCF-style: chr11-108327660-A-T. GRCh37 (hg19) VCF-style: chr11-108198387-A-T.
Other names: c.6991A>T, p.Lys2331Ter (NM_001351834.2); c.641-18589T>A (NM_001330368.2); c.*38+7560T>A (NM_001351110.2); short protein forms K2331*.
Identifiers: ClinVar variation 3965816 (VCV003965816.1).